The following is an entry in ClinVar:

ClinVar aggregate classification (germline): Uncertain significance (1 of 4 stars; one submission).

gnomAD v4.1: 35 of 1,613,560 alleles (0.0022%); highest among the groups gnomAD compares: Admixed American, 0.017%; no homozygotes.

Submission:

GeneDx
Classification: Uncertain significance. Last evaluated: 2025-07-29. Review status: criteria provided, single submitter. Criteria: GeneDx Variant Classification Process June 2021. Collection method: clinical testing. Allele origin: germline. Affected: yes.
Comment: Has not been previously published as pathogenic or benign to our knowledge; In silico analysis suggests that this missense variant does not alter protein structure/function

NM_012082.4(ZFPM2):c.1570G>T (p.Val524Leu)

Genes: ZFPM2 (zinc finger protein, FOG family member 2; plus strand), ZFPM2-AS1 (ZFPM2 antisense RNA 1; minus strand). Cytogenetic location: 8q23.1.
Variant type: single nucleotide variant.
Coding change: c.1570G>T on transcript NM_012082.4 (MANE Select); coding-DNA position 1570, G replaced by T.
Protein change: p.Val524Leu; replaces valine 524 with leucine.
Molecular consequence: missense variant.
Genome position (GRCh38, 1-based): chr8:105,801,652, G>T. VCF-style: chr8-105801652-G-T. GRCh37 (hg19) VCF-style: chr8-106813880-G-T.
Other names: c.1411G>T, p.Val471Leu (NM_001362836.2); c.1174G>T, p.Val392Leu (NM_001362837.2); short protein forms V392L, V471L, V524L.
Identifiers: ClinVar variation 4689954 (VCV004689954.1).